The following is an entry in ClinVar:

ClinVar aggregate classification (germline): Uncertain significance. Review status: criteria provided, multiple submitters, no conflicts (2 of 4 stars). 2 submissions from 2 submitters: Uncertain significance (2). Last evaluated 2024-05-22.

Allele frequency attached by ClinVar (database versions not stated): gnomAD exomes below 0.00001; ExAC 0.00001.
gnomAD v4.1: 1 of 1,614,188 alleles (0.000062%); highest among the groups gnomAD compares: Non-Finnish European, 0.000085%; no homozygotes.

Submissions (2):

Labcorp Genetics (formerly Invitae), Labcorp
Classification: Uncertain significance. Last evaluated: 2024-05-22. Review status: criteria provided, single submitter. Criteria: Invitae Variant Classification Sherloc (09022015). Collection method: clinical testing. Allele origin: germline.
Comment: This sequence change replaces isoleucine, which is neutral and non-polar, with threonine, which is neutral and polar, at codon 1188 of the NPAT protein (p.Ile1188Thr). This variant is present in population databases (rs769815253, gnomAD 0.0009%). This variant has not been reported in the literature in individuals affected with NPAT-related conditions. ClinVar contains an entry for this variant (Variation ID: 2624976). Algorithms developed to predict the effect of missense changes on protein structure and function output the following: SIFT: "Not Available"; PolyPhen-2: "Benign"; Align-GVGD: "Not Available". The threonine amino acid residue is found in multiple mammalian species, which suggests that this missense change does not adversely affect protein function. In summary, the available evidence is currently insufficient to determine the role of this variant in disease. Therefore, it has been classified as a Variant of Uncertain Significance.

Ambry Genetics
Classification: Uncertain significance. Last evaluated: 2023-08-25. Review status: criteria provided, single submitter. Criteria: Ambry Variant Classification Scheme 2023. Collection method: clinical testing. Allele origin: germline.
Comment: The p.I1188T variant (also known as c.3563T>C), located in coding exon 17 of the NPAT gene, results from a T to C substitution at nucleotide position 3563. The isoleucine at codon 1188 is replaced by threonine, an amino acid with similar properties. This amino acid position is conserved. In addition, this alteration is predicted to be tolerated by in silico analysis. Since supporting evidence is limited at this time, the clinical significance of this alteration remains unclear.

NM_002519.3(NPAT):c.3563T>C (p.Ile1188Thr)

Gene: NPAT (nuclear protein, coactivator of histone transcription; minus strand). Cytogenetic location: 11q22.3.
Variant type: single nucleotide variant.
Coding change: c.3563T>C on transcript NM_002519.3 (MANE Select); coding-DNA position 3563, T replaced by C.
Protein change: p.Ile1188Thr; replaces isoleucine 1188 with threonine.
Molecular consequence: missense variant.
Genome position (GRCh38, 1-based): chr11:108,161,523, A>G on the plus strand (T>C on the coding strand, the complement: NPAT is on the minus strand). VCF-style: chr11-108161523-A-G. GRCh37 (hg19) VCF-style: chr11-108032250-A-G.
Other names: c.3584T>C, p.Ile1195Thr (NM_001321307.1); short protein forms I1195T, I1188T.
Identifiers: ClinVar variation 2624976 (VCV002624976.4), dbSNP rs769815253, ClinGen allele CA6263563.
Genomic context (GRCh38, chr11:108,161,523, plus strand): 5'-GTCATTTCTTGCAGTGAAGCTATAGATTTCTCACTTCGCAAACCCCCATTTTGCTGCCCA[A>G]TAGATAGTTTTGAATTTTCTGGATTTTTCTGTCTTTCTACATCGCTGCATAATTCATTCT-3'
Protein context (NP_002510.2, residues 1178-1198): QKNPENSKLS[Ile1188Thr]GQQNGGLRSE